The following is an entry in ClinVar:

ClinVar aggregate classification (germline): Uncertain significance. Review status: criteria provided, multiple submitters, no conflicts (2 of 4 stars). 4 submissions from 4 submitters: Uncertain significance (4). Last evaluated 2024-12-05.

Conditions:
Multiple endocrine neoplasia type 2B. Also called: Multiple endocrine neoplasia, type 3; MULTIPLE ENDOCRINE NEOPLASIA, TYPE IIB; MEN IIB; NEUROMATA, MUCOSAL, WITH ENDOCRINE TUMORS; WAGENMANN-FROBOESE SYNDROME; MULTIPLE ENDOCRINE NEOPLASIA, TYPE III. Identifiers: Orphanet 247709, Orphanet 653, MedGen C0025269, MeSH D018814, MONDO:0008082, OMIM 162300.
Pheochromocytoma. Also called: MAX-Related Hereditary Paraganglioma-Pheochromocytoma Syndrome. Identifiers: Orphanet 29072, MedGen C0031511, MONDO:0008233, OMIM 171300, HP:0002666.
Familial medullary thyroid carcinoma (MTC). Also called: Thyroid cancer, familial medullary; MTC, familial; Familial Medullary Thyroid Carcinoma (FMTC). Identifiers: Orphanet 653, Orphanet 99361, MedGen C1833921, MONDO:0007958, OMIM 155240.
Hirschsprung disease, susceptibility to, 1 (HSCR1). Also called: RET-Related Hirschsprung Disease. Identifiers: Orphanet 388, MedGen C3888239, MONDO:0007723, OMIM 142623.
Multiple endocrine neoplasia type 2A. Also called: MULTIPLE ENDOCRINE NEOPLASIA, TYPE IIA; PTC SYNDROME; SIPPLE SYNDROME; MEN 2A; MEN-2A syndrome; Pheochromocytoma and amyloid producing medullary thyroid carcinoma. Identifiers: Orphanet 247698, Orphanet 653, MedGen C0025268, MeSH D018813, MONDO:0008234, OMIM 171400.
Hereditary cancer-predisposing syndrome. Also called: Hereditary neoplastic syndrome; Neoplastic Syndromes, Hereditary; Tumor predisposition; Hereditary Cancer Syndrome. Identifiers: Orphanet 140162, MedGen C0027672, MeSH D009386, MONDO:0015356.
Multiple endocrine neoplasia, type 2 (MEN2). Identifiers: Orphanet 653, MedGen C4048306, MONDO:0019003. Disease mechanism: gain of function.

Allele frequency attached by ClinVar (database versions not stated): gnomAD exomes below 0.00001; ExAC 0.00001; gnomAD 0.00002; 1000 Genomes Project 30x 0.00031; 1000 Genomes Project 0.00040.
gnomAD v4.1: 4 of 1,613,906 alleles (0.00025%); highest among the groups gnomAD compares: African/African-American, 0.0053%; no homozygotes.

Submissions (4):

Ambry Genetics
Classification: Uncertain significance for Hereditary cancer-predisposing syndrome. Last evaluated: 2024-12-05. Review status: criteria provided, single submitter. Criteria: Ambry Variant Classification Scheme 2023. Collection method: clinical testing. Allele origin: germline.
Comment: The p.F381C variant (also known as c.1142T>G), located in coding exon 6 of the RET gene, results from a T to G substitution at nucleotide position 1142. The phenylalanine at codon 381 is replaced by cysteine, an amino acid with highly dissimilar properties. This amino acid position is well conserved in available vertebrate species. In addition, the in silico prediction for this alteration is inconclusive. Based on the available evidence, the clinical significance of this variant remains unclear.

Labcorp Genetics (formerly Invitae), Labcorp
Classification: Uncertain significance for Multiple endocrine neoplasia, type 2. Last evaluated: 2024-03-09. Review status: criteria provided, single submitter. Criteria: Invitae Variant Classification Sherloc (09022015). Collection method: clinical testing. Allele origin: germline.
Comment: This sequence change replaces phenylalanine, which is neutral and non-polar, with cysteine, which is neutral and slightly polar, at codon 381 of the RET protein (p.Phe381Cys). This variant is not present in population databases (gnomAD no frequency). This variant has not been reported in the literature in individuals affected with RET-related conditions. ClinVar contains an entry for this variant (Variation ID: 2178070). An algorithm developed to predict the effect of missense changes on protein structure and function (PolyPhen-2) suggests that this variant is likely to be disruptive. In summary, the available evidence is currently insufficient to determine the role of this variant in disease. Therefore, it has been classified as a Variant of Uncertain Significance.

Fulgent Genetics
Classification: Uncertain significance for Hirschsprung disease, susceptibility to, 1; Familial medullary thyroid carcinoma; Multiple endocrine neoplasia type 2B; Pheochromocytoma; Multiple endocrine neoplasia type 2A. Last evaluated: 2024-03-06. Review status: criteria provided, single submitter. Criteria: ACMG Guidelines, 2015. Collection method: clinical testing. Allele origin: germline.

Neuberg Centre For Genomic Medicine, NCGM
Classification: Uncertain significance for Familial medullary thyroid carcinoma. Last evaluated: 2023-05-20. Review status: criteria provided, single submitter. Criteria: ACMG Guidelines, 2015. Collection method: clinical testing. Allele origin: germline. Inheritance: Autosomal dominant inheritance. Affected: yes.
Comment: The observed missense variant c.1142T>G (p.Phe381Cys) in the RET gene has not been reported previously as a pathogenic variant nor as a benign variant, to our knowledge. This variant is absent in the gnomAD Exomes. This variant has been reported to the ClinVar database as Uncertain Significance. However, no details are available for independent assessment. The amino acid Phenylalanine at position 381 is changed to a Cysteine changing protein sequence and it might alter its composition and physico- chemical properties. Multiple lines of computational evidence (Polyphen - Probably damaging, SIFT - Damaging and MutationTaster - Disease causing) predict a damaging effect on protein structure and function for this variant. The residue is conserved by GERP++ and PhyloP across 100 vertebrates. For these reasons, this variant has been classified as Uncertain Significance.

NM_020975.6(RET):c.1142T>G (p.Phe381Cys)

Gene: RET (ret proto-oncogene; plus strand). Cytogenetic location: 10q11.21.
Variant type: single nucleotide variant.
Coding change: c.1142T>G on transcript NM_020975.6 (MANE Select); coding-DNA position 1142, T replaced by G.
Protein change: p.Phe381Cys; replaces phenylalanine 381 with cysteine.
Molecular consequence: missense variant.
Genome position (GRCh38, 1-based): chr10:43,109,109, T>G. VCF-style: chr10-43109109-T-G. GRCh37 (hg19) VCF-style: chr10-43604557-T-G.
Other names: c.1142T>G, p.Phe381Cys (NM_000323.2, NM_001406743.1, NM_001406744.1 and 6 more transcripts); c.380T>G, p.Phe127Cys (NM_001355216.2); c.1013T>G, p.Phe338Cys (NM_001406761.1, NM_001406762.1, NM_001406764.1 and 1 more transcripts); c.854T>G, p.Phe285Cys (NM_001406766.1, NM_001406767.1, NM_001406770.1); c.704T>G, p.Phe235Cys (NM_001406771.1, NM_001406773.1); c.416T>G, p.Phe139Cys (NM_001406775.1, NM_001406776.1, NM_001406777.1 and 1 more transcripts); c.152T>G, p.Phe51Cys (NM_001406784.1); short protein forms F127C, F139C, F381C, F338C, F235C, F285C, F51C.
Identifiers: ClinVar variation 2178070 (VCV002178070.7), dbSNP rs139813765, ClinGen allele CA031771.